The following is an entry in ClinVar:

ClinVar aggregate classification (germline): Benign/Likely benign. Review status: criteria provided, multiple submitters, no conflicts (2 of 4 stars). 3 submissions from 3 submitters: Benign (1); Likely benign (2). Last evaluated 2025-06-12.

Conditions:
Hereditary cancer-predisposing syndrome. Also called: Hereditary Cancer Syndrome; Hereditary neoplastic syndrome; Neoplastic Syndromes, Hereditary; Tumor predisposition. Identifiers: Orphanet 140162, MedGen C0027672, MeSH D009386, MONDO:0015356.
POLD1-related polyposis and colorectal cancer syndrome (CRCS10). Also called: Colorectal cancer 10; COLORECTAL CANCER, SUSCEPTIBILITY TO, ON CHROMOSOME 19q; Colorectal cancer, susceptibility to, 10. Identifiers: Orphanet 220460, MedGen C2675481, MONDO:0012953, OMIM 612591.

gnomAD v4.1: 1 of 1,572,618 alleles (0.000064%); highest among the groups gnomAD compares: Non-Finnish European, 0.000086%; no homozygotes.

Submissions (3):

Labcorp Genetics (formerly Invitae), Labcorp
Classification: Likely benign for POLD1-related polyposis and colorectal cancer syndrome. Last evaluated: 2025-06-12. Review status: criteria provided, single submitter. Criteria: Invitae Variant Classification Sherloc (09022015). Collection method: clinical testing. Allele origin: germline.

Myriad Genetics, Inc.
Classification: Benign for POLD1-related polyposis and colorectal cancer syndrome. Last evaluated: 2025-02-04. Review status: criteria provided, single submitter. Criteria: Myriad Autosomal Dominant, Autosomal Recessive and X-Linked Classification Criteria (2023). Collection method: clinical testing. Allele origin: unknown.
Comment: This variant is considered benign. This variant is a silent/synonymous amino acid change and it is not expected to impact splicing.

Ambry Genetics
Classification: Likely benign for Hereditary cancer-predisposing syndrome. Last evaluated: 2024-05-04. Review status: criteria provided, single submitter. Criteria: Ambry Variant Classification Scheme 2023. Collection method: clinical testing. Allele origin: germline.

NM_002691.4(POLD1):c.846G>T (p.Thr282=)

Gene: POLD1 (DNA polymerase delta 1, catalytic subunit; plus strand). Cytogenetic location: 19q13.33.
Variant type: single nucleotide variant.
Coding change: c.846G>T on transcript NM_002691.4 (MANE Select); coding-DNA position 846, G replaced by T.
Protein change: p.Thr282=; no amino-acid change (threonine 282 retained).
Molecular consequence: synonymous variant. On other transcripts: non-coding transcript variant (1).
Genome position (GRCh38, 1-based): chr19:50,402,617, G>T. VCF-style: chr19-50402617-G-T. GRCh37 (hg19) VCF-style: chr19-50905874-G-T.
Other names: c.846G>T (NM_002691.2); c.846G>T, p.Thr282= (NM_001256849.1, NM_001308632.1).
Identifiers: ClinVar variation 1562071 (VCV001562071.10), dbSNP rs780498642, ClinGen allele CA508181778.